The following is an entry in ClinVar:

ClinVar aggregate classification (germline): Benign/Likely benign. Review status: criteria provided, multiple submitters, no conflicts (2 of 4 stars). 6 submissions from 6 submitters: Benign (2); Likely benign (4). Last evaluated 2025-12-08.

Conditions:
Inborn genetic diseases. Identifiers: MedGen C0950123, MeSH D030342.
Developmental and epileptic encephalopathy, 42 (DEE42A). Also called: DEVELOPMENTAL AND EPILEPTIC ENCEPHALOPATHY 42A; EPILEPTIC ENCEPHALOPATHY, EARLY INFANTILE, 42A; Epileptic encephalopathy, early infantile, 42. Identifiers: MedGen C4310716, MONDO:0014917, OMIM 617106.
Episodic ataxia type 2 (EA2). Also called: ATAXIA, EPISODIC, WITH NYSTAGMUS; ATAXIA, FAMILIAL PAROXYSMAL; CEREBELLAR ATAXIA, PAROXYSMAL, ACETAZOLAMIDE-RESPONSIVE; CEREBELLOPATHY, HEREDITARY PAROXYSMAL; ACETAZOLAMIDE-RESPONSIVE HEREDITARY PAROXYSMAL CEREBELLAR ATAXIA; EPISODIC ATAXIA, NYSTAGMUS-ASSOCIATED. Identifiers: Orphanet 97, MedGen C1720416, MONDO:0007163, OMIM 108500.

Allele frequency attached by ClinVar (database versions not stated): ESP Exome Variant Server 0.00008; gnomAD 0.00014; TOPMed 0.00016; 1000 Genomes Project 30x 0.00031.
gnomAD v4.1: 156 of 1,613,128 alleles (0.0097%); highest among the groups gnomAD compares: East Asian, 0.02%; no homozygotes.

Submissions (6):

Labcorp Genetics (formerly Invitae), Labcorp
Classification: Benign for Developmental and epileptic encephalopathy, 42; Episodic ataxia type 2. Last evaluated: 2025-12-08. Review status: criteria provided, single submitter. Criteria: Invitae Variant Classification Sherloc (09022015). Collection method: clinical testing. Allele origin: germline.

Blueprint Genetics
Classification: Likely benign. Last evaluated: 2024-10-08. Review status: criteria provided, single submitter. Criteria: ACMG Guidelines, 2015. Collection method: clinical testing. Allele origin: germline.

CeGaT Center for Human Genetics Tuebingen
Classification: Likely benign. Last evaluated: 2024-09-01. Review status: criteria provided, single submitter. Criteria: CeGaT Center For Human Genetics Tuebingen Variant Classification Criteria Version 2. Collection method: clinical testing. Allele origin: germline. Affected: yes. Observed: 2 variant alleles.
Comment: CACNA1A: BP4, BP7

Athena Diagnostics
Classification: Benign. Last evaluated: 2021-04-16. Review status: criteria provided, single submitter. Criteria: Athena Diagnostics criteria. Collection method: clinical testing. Allele origin: unknown.

GeneDx
Classification: Likely benign. Last evaluated: 2020-12-29. Review status: criteria provided, single submitter. Criteria: GeneDx Variant Classification Process June 2021. Collection method: clinical testing. Allele origin: germline. Affected: yes.

Ambry Genetics
Classification: Likely benign for Inborn genetic diseases. Last evaluated: 2020-01-22. Review status: criteria provided, single submitter. Criteria: Ambry Variant Classification Scheme 2023. Collection method: clinical testing. Allele origin: germline.

NM_001127222.2(CACNA1A):c.1500G>A (p.Thr500=)

Gene: CACNA1A (calcium voltage-gated channel subunit alpha1 A; minus strand). Cytogenetic location: 19p13.13.
Variant type: single nucleotide variant.
Coding change: c.1500G>A on transcript NM_001127222.2 (MANE Select); coding-DNA position 1500, G replaced by A.
Protein change: p.Thr500=; no amino-acid change (threonine 500 retained).
Molecular consequence: synonymous variant.
Genome position (GRCh38, 1-based): chr19:13,317,167, C>T on the plus strand (G>A on the coding strand, the complement: CACNA1A is on the minus strand). VCF-style: chr19-13317167-C-T. GRCh37 (hg19) VCF-style: chr19-13427981-C-T.
Other names: c.1503G>A, p.Thr501= (NM_000068.4, NM_001127221.2, NM_001174080.2 and 1 more transcripts); c.1503G>A (NM_000068.2).
Identifiers: ClinVar variation 392582 (VCV000392582.37), dbSNP rs373192672, ClinGen allele CA9240801.